The following is an entry in ClinVar:

NM_005732.4(RAD50):c.3753-4G>T

Genes: TH2-LCR (Th2 cytokine locus control region; plus strand), RAD50 (RAD50 double strand break repair protein; plus strand), TH2LCRR (T helper type 2 locus control region associated RNA; minus strand). Cytogenetic location: 5q31.1.
Variant type: single nucleotide variant.
Coding change: c.3753-4G>T on transcript NM_005732.4 (MANE Select); 4 bases into the intron before coding-DNA position 3753, G replaced by T.
Molecular consequence: intron variant.
Genome position (GRCh38, 1-based): chr5:132,642,174, G>T. VCF-style: chr5-132642174-G-T. GRCh37 (hg19) VCF-style: chr5-131977866-G-T.
Identifiers: ClinVar variation 414947 (VCV000414947.19), dbSNP rs775426160, ClinGen allele CA3405676.

ClinVar aggregate classification (germline): Conflicting classifications of pathogenicity. Review status: criteria provided, conflicting classifications (1 of 4 stars). 3 submissions from 3 submitters: Uncertain significance (1); Likely benign (2). Last evaluated 2024-05-23.

Conditions:
Hereditary cancer-predisposing syndrome. Also called: Tumor predisposition; Neoplastic Syndromes, Hereditary; Hereditary neoplastic syndrome; Hereditary Cancer Syndrome. Identifiers: Orphanet 140162, MedGen C0027672, MeSH D009386, MONDO:0015356.

Allele frequency attached by ClinVar (database versions not stated): gnomAD 0.00001; gnomAD exomes 0.00001; ExAC 0.00002; TOPMed 0.00002.
gnomAD v4.1: 11 of 1,612,626 alleles (0.00068%); highest among the groups gnomAD compares: Admixed American, 0.0067%; no homozygotes.

Submissions (3):

Ambry Genetics
Classification: Likely benign for Hereditary cancer-predisposing syndrome. Last evaluated: 2024-05-23. Review status: criteria provided, single submitter. Criteria: Ambry Variant Classification Scheme 2023. Collection method: clinical testing. Allele origin: germline.

Labcorp Genetics (formerly Invitae), Labcorp
Classification: Likely benign for Hereditary cancer-predisposing syndrome. Last evaluated: 2023-05-07. Review status: criteria provided, single submitter. Criteria: Invitae Variant Classification Sherloc (09022015). Collection method: clinical testing. Allele origin: germline.

Quest Diagnostics Nichols Institute San Juan Capistrano
Classification: Uncertain significance. Last evaluated: 2022-11-11. Review status: criteria provided, single submitter. Criteria: Quest Diagnostics criteria. Collection method: clinical testing. Allele origin: unknown.
Comment: To the best of our knowledge, the variant has not been reported in the published literature. The frequency of this variant in the general population, 0.00011 (4/35434 chromosomes), is uninformative in assessment of its pathogenicity. Analysis of this variant using software algorithms for the prediction of the effect of nucleotide changes on splicing yielded predictions that this variant does not affect RAD50 mRNA splicing . Based on the available information, we are unable to determine the clinical significance of this variant.